The following is an entry in ClinVar:

NM_014629.4(ARHGEF10):c.200A>G (p.Glu67Gly)

Gene: ARHGEF10 (Rho guanine nucleotide exchange factor 10; plus strand). Cytogenetic location: 8p23.3.
Variant type: single nucleotide variant.
Coding change: c.200A>G on transcript NM_014629.4 (MANE Select); coding-DNA position 200, A replaced by G.
Protein change: p.Glu67Gly; replaces glutamic acid 67 with glycine.
Molecular consequence: missense variant.
Genome position (GRCh38, 1-based): chr8:1,859,903, A>G. VCF-style: chr8-1859903-A-G. GRCh37 (hg19) VCF-style: chr8-1808069-A-G.
Other names: c.200A>G, p.Glu67Gly (NM_001308152.2, NM_001308153.3); short protein forms E67G, E91G.
Identifiers: ClinVar variation 1918541 (VCV001918541.5), dbSNP rs763518884, ClinGen allele CA4599687.

ClinVar aggregate classification (germline): Uncertain significance (1 of 4 stars; one submission).

Allele frequency attached by ClinVar (database versions not stated): ExAC 0.00001; TOPMed 0.00002; gnomAD 0.00003; gnomAD exomes 0.00003.
gnomAD v4.1: 53 of 1,613,968 alleles (0.0033%); highest among the groups gnomAD compares: Non-Finnish European, 0.0043%; no homozygotes.

Submission:

Labcorp Genetics (formerly Invitae), Labcorp
Classification: Uncertain significance. Last evaluated: 2022-03-30. Review status: criteria provided, single submitter. Criteria: Invitae Variant Classification Sherloc (09022015). Collection method: clinical testing. Allele origin: germline.
Comment: In summary, the available evidence is currently insufficient to determine the role of this variant in disease. Therefore, it has been classified as a Variant of Uncertain Significance. Algorithms developed to predict the effect of missense changes on protein structure and function (SIFT, PolyPhen-2, Align-GVGD) all suggest that this variant is likely to be tolerated. This variant has not been reported in the literature in individuals affected with ARHGEF10-related conditions. This variant is present in population databases (rs763518884, gnomAD 0.004%). This sequence change replaces glutamic acid, which is acidic and polar, with glycine, which is neutral and non-polar, at codon 67 of the ARHGEF10 protein (p.Glu67Gly).